The following is an entry in ClinVar:

ClinVar aggregate classification (germline): Likely pathogenic (1 of 4 stars; one submission).

Conditions:
SIN3A-related intellectual disability syndrome due to a point mutation. Also called: 15q24 Microdeletion Syndrome; WITTEVEEN-KOLK SYNDROME. Identifiers: Orphanet 500166, Orphanet 94065, MedGen C4310804, MONDO:0044700, OMIM 613406.

Submission:

Juno Genomics, Hangzhou Juno Genomics, Inc
Classification: Likely pathogenic for SIN3A-related intellectual disability syndrome due to a point mutation. Review status: criteria provided, single submitter. Criteria: ACMG Guidelines, 2015. Collection method: clinical testing. Allele origin: germline. Affected: yes.
Comment: Absent from controls (or at extremely low frequency if recessive) in Genome Aggregation Database, Exome Sequencing Project, 1000 Genomes Project, or Exome Aggregation Consortium.;Null variant in a gene where loss of function (LOF) is a known mechanism of disease.

NM_001145358.2(SIN3A):c.583C>T (p.Gln195Ter)

Gene: SIN3A (SIN3 transcription regulator family member A; minus strand). Cytogenetic location: 15q24.2.
Variant type: single nucleotide variant.
Coding change: c.583C>T on transcript NM_001145358.2 (MANE Select); coding-DNA position 583, C replaced by T.
Protein change: p.Gln195Ter; replaces glutamine 195 with a stop codon.
Molecular consequence: nonsense.
Genome position (GRCh38, 1-based): chr15:75,412,936, G>A on the plus strand (C>T on the coding strand, the complement: SIN3A is on the minus strand). VCF-style: chr15-75412936-G-A. GRCh37 (hg19) VCF-style: chr15-75705277-G-A.
Other names: c.583C>T, p.Gln195Ter (NM_001145357.2, NM_001437462.1, NM_001437463.1 and 1 more transcripts); short protein forms Q195*.
Identifiers: ClinVar variation 4531251 (VCV004531251.1).